The following is an entry in ClinVar:

NM_000064.4(C3):c.1433G>T (p.Arg478Leu)

Gene: C3 (complement C3; minus strand). Cytogenetic location: 19p13.3.
Variant type: single nucleotide variant.
Coding change: c.1433G>T on transcript NM_000064.4 (MANE Select); coding-DNA position 1433, G replaced by T.
Protein change: p.Arg478Leu; replaces arginine 478 with leucine.
Molecular consequence: missense variant.
Genome position (GRCh38, 1-based): chr19:6,711,033, C>A on the plus strand (G>T on the coding strand, the complement: C3 is on the minus strand). VCF-style: chr19-6711033-C-A. GRCh37 (hg19) VCF-style: chr19-6711044-C-A.
Other names: short protein forms R478L.
Identifiers: ClinVar variation 633671 (VCV000633671.10), dbSNP rs747968673, ClinGen allele CA9129459.

ClinVar aggregate classification (germline): Uncertain significance. Review status: criteria provided, multiple submitters, no conflicts (2 of 4 stars). 5 submissions from 5 submitters: Uncertain significance (4). 1 of the submissions does not count toward it. Last evaluated 2025-09-30.

Conditions:
Atypical hemolytic-uremic syndrome. Identifiers: Orphanet 2134, MedGen C2931788, MONDO:0016244.
Age related macular degeneration 9. Identifiers: MedGen C1969651, MONDO:0012659, OMIM 611378.
Complement component 3 deficiency. Identifiers: Orphanet 280133, MedGen C3151071, MONDO:0013417, OMIM 613779.
Atypical hemolytic-uremic syndrome with C3 anomaly. Also called: AHUS, SUSCEPTIBILITY TO, 5. Identifiers: Orphanet 2134, MedGen C2752037, MONDO:0013043, OMIM 612925.

Allele frequency attached by ClinVar (database versions not stated): gnomAD 0.00001; TOPMed 0.00001; ExAC 0.00004.
gnomAD v4.1: 19 of 1,614,004 alleles (0.0012%); highest among the groups gnomAD compares: Admixed American, 0.0033%; no homozygotes.

Submissions (5):

Genomenon, Inc
Classification: Uncertain significance for Atypical hemolytic-uremic syndrome. Last evaluated: 2025-09-30. Review status: criteria provided, single submitter. Criteria: Genomenon Sequence Variant Interpretation Standards. Collection method: curation. Allele origin: germline. Affected: yes.
Comment: C3 p.Arg478Leu (c.1433G>T) is a missense variant that changes the amino acid at residue 478 from Arginine to Leucine. This variant has been observed in at least one proband affected with atypical hemolytic-uremic syndrome (PMID:20595690). Functional studies have been reported; however, the significance of the findings remain unclear (PMID:25608561). It is absent or not present at a significant frequency in gnomAD. In conclusion, we classify C3 p.Arg478Leu (c.1433G>T) as a variant of unknown significance.

Labcorp Genetics (formerly Invitae), Labcorp
Classification: Uncertain significance. Last evaluated: 2025-08-21. Review status: criteria provided, single submitter. Criteria: Invitae Variant Classification Sherloc (09022015). Collection method: clinical testing. Allele origin: germline.
Comment: This sequence change replaces arginine, which is basic and polar, with leucine, which is neutral and non-polar, at codon 478 of the C3 protein (p.Arg478Leu). This variant is present in population databases (rs747968673, gnomAD 0.004%). This missense change has been observed in individual(s) with atypical hemolytic uremic syndrome (PMID: 20595690, 25608561). This variant is also known as R456L. ClinVar contains an entry for this variant (Variation ID: 633671). Invitae Evidence Modeling of protein sequence and biophysical properties (such as structural, functional, and spatial information, amino acid conservation, physicochemical variation, residue mobility, and thermodynamic stability) has been performed for this missense variant. However, the output from this modeling did not meet the statistical confidence thresholds required to predict the impact of this variant on C3 protein function. Experimental studies have shown that this missense change does not substantially affect C3 function (PMID: 25608561). In summary, the available evidence is currently insufficient to determine the role of this variant in disease. Therefore, it has been classified as a Variant of Uncertain Significance.

Blueprint Genetics
Classification: Uncertain significance. Last evaluated: 2024-03-16. Review status: criteria provided, single submitter. Criteria: ACMG Guidelines, 2015. Collection method: clinical testing. Allele origin: germline.

Fulgent Genetics
Classification: Uncertain significance for Age related macular degeneration 9; Atypical hemolytic-uremic syndrome with C3 anomaly; Complement component 3 deficiency. Last evaluated: 2024-02-29. Review status: criteria provided, single submitter. Criteria: ACMG Guidelines, 2015. Collection method: clinical testing. Allele origin: germline.

Gharavi Laboratory, Columbia University
Classification: Uncertain significance. Last evaluated: 2018-09-16. Review status: no assertion criteria provided. Criteria: ACMG Guidelines, 2015. Collection method: research. Allele origin: germline. Affected: no. Not counted in ClinVar's aggregate classification.

Literature cited by the submitters: PubMed 20595690 (cited by Genomenon, Inc and Labcorp Genetics (formerly Invitae), Labcorp); PubMed 25608561 (cited by Genomenon, Inc and Labcorp Genetics (formerly Invitae), Labcorp).